The following is an entry in ClinVar:

ClinVar aggregate classification (germline): Conflicting classifications of pathogenicity. Review status: criteria provided, conflicting classifications (1 of 4 stars). 2 submissions from 2 submitters: Uncertain significance (1); Likely benign (1). Last evaluated 2025-07-03.

Conditions:
Hereditary cancer-predisposing syndrome. Also called: Hereditary Cancer Syndrome; Tumor predisposition; Hereditary neoplastic syndrome; Neoplastic Syndromes, Hereditary. Identifiers: Orphanet 140162, MedGen C0027672, MeSH D009386, MONDO:0015356.

gnomAD v4.1: 1 of 1,605,416 alleles (0.000062%); highest among the groups gnomAD compares: South Asian, 0.0011%; no homozygotes.

Submissions (2):

Color Diagnostics, LLC DBA Color Health
Classification: Uncertain significance for Hereditary cancer-predisposing syndrome. Last evaluated: 2025-07-03. Review status: criteria provided, single submitter. Criteria: ACMG Guidelines, 2015. Collection method: clinical testing. Allele origin: germline.
Comment: This missense variant replaces glutamic acid with lysine at codon 1646 of the BRCA2 protein. Computational prediction suggests that this variant may not impact protein structure and function. To our knowledge, functional studies have not been reported for this variant. This variant has not been reported in individuals affected with BRCA2-related disorders in the literature. This variant has not been identified in the general population by the Genome Aggregation Database (gnomAD). The available evidence is insufficient to determine the role of this variant in disease conclusively. Therefore, this variant is classified as a Variant of Uncertain Significance.

Ambry Genetics
Classification: Likely benign for Hereditary cancer-predisposing syndrome. Last evaluated: 2024-03-27. Review status: criteria provided, single submitter. Criteria: Ambry Variant Classification Scheme 2023. Collection method: clinical testing. Allele origin: germline.

NM_000059.4(BRCA2):c.4936G>A (p.Glu1646Lys)

Gene: BRCA2 (BRCA2 DNA repair associated; plus strand). Cytogenetic location: 13q13.1.
Variant type: single nucleotide variant.
Coding change: c.4936G>A on transcript NM_000059.4 (MANE Select); coding-DNA position 4936, G replaced by A.
Protein change: p.Glu1646Lys; replaces glutamic acid 1646 with lysine.
Molecular consequence: missense variant. On other transcripts: non-coding transcript variant (1), intron variant (2).
Genome position (GRCh38, 1-based): chr13:32,339,291, G>A. VCF-style: chr13-32339291-G-A. GRCh37 (hg19) VCF-style: chr13-32913428-G-A.
Other names: c.4936G>A, p.Glu1646Lys (NM_001406719.1, NM_001406720.1); c.1910-5267G>A (NM_001406721.1); c.425-5267G>A (NM_001406722.1); short protein forms E1646K.
Identifiers: ClinVar variation 3261524 (VCV003261524.2).